The following is an entry in ClinVar:

ClinVar aggregate classification (germline): Uncertain significance. Review status: criteria provided, multiple submitters, no conflicts (2 of 4 stars). 4 submissions from 4 submitters: Uncertain significance (4). Last evaluated 2026-01-11.

Conditions:
MYH6-related disorder. Also called: MYH6-related condition; MYH6-Related Disorders.
Hypertrophic cardiomyopathy 14. Identifiers: MedGen C2750467, MONDO:0013197, OMIM 613251.
Dilated cardiomyopathy 1EE (CMD1EE). Identifiers: Orphanet 154, MedGen C2750466, MONDO:0013198, OMIM 613252.
Atrial septal defect 3 (ASD3). Identifiers: Orphanet 1478, MedGen C3279790, MONDO:0013567, OMIM 614089.
Sick sinus syndrome 3, susceptibility to (SSS3). Identifiers: Orphanet 166282, MedGen C3279791, MONDO:0013568, OMIM 614090.
Cardiovascular phenotype. Identifiers: MedGen CN230736.

Allele frequency attached by ClinVar (database versions not stated): gnomAD 0.00001; gnomAD exomes 0.00001; ExAC 0.00004; ESP Exome Variant Server 0.00008.
gnomAD v4.1: 17 of 1,613,970 alleles (0.0011%); highest among the groups gnomAD compares: African/African-American, 0.0013%; no homozygotes.

Submissions (4):

Labcorp Genetics (formerly Invitae), Labcorp
Classification: Uncertain significance for Hypertrophic cardiomyopathy 14. Last evaluated: 2026-01-11. Review status: criteria provided, single submitter. Criteria: Invitae Variant Classification Sherloc (09022015). Collection method: clinical testing. Allele origin: germline.
Comment: This sequence change replaces aspartic acid, which is acidic and polar, with asparagine, which is neutral and polar, at codon 159 of the MYH6 protein (p.Asp159Asn). This variant is present in population databases (rs369931610, gnomAD 0.008%). This missense change has been observed in individual(s) with MYH6-related conditions (PMID: 41165794). ClinVar contains an entry for this variant (Variation ID: 2636664). Invitae Evidence Modeling of protein sequence and biophysical properties (such as structural, functional, and spatial information, amino acid conservation, physicochemical variation, residue mobility, and thermodynamic stability) indicates that this missense variant is expected to disrupt MYH6 protein function with a positive predictive value of 80%. In summary, the available evidence is currently insufficient to determine the role of this variant in disease. Therefore, it has been classified as a Variant of Uncertain Significance.

Ambry Genetics
Classification: Uncertain significance for Cardiovascular phenotype. Last evaluated: 2025-08-09. Review status: criteria provided, single submitter. Criteria: Ambry Variant Classification Scheme 2023. Collection method: clinical testing. Allele origin: germline.

PreventionGenetics, part of Exact Sciences
Classification: Uncertain significance for MYH6-related condition. Last evaluated: 2023-08-26. Review status: criteria provided, single submitter. Criteria: ACMG Guidelines, 2015. Collection method: clinical testing. Allele origin: germline.
Comment: The MYH6 c.475G>A variant is predicted to result in the amino acid substitution p.Asp159Asn. To our knowledge, this variant has not been reported in the literature. This variant is reported in 0.0080% of alleles in individuals of African descent in gnomAD. At this time, the clinical significance of this variant is uncertain due to the absence of conclusive functional and genetic evidence.

Juno Genomics, Hangzhou Juno Genomics, Inc
Classification: Uncertain significance for Sick sinus syndrome 3, susceptibility to; Atrial septal defect 3; Dilated cardiomyopathy 1EE; Hypertrophic cardiomyopathy 14. Review status: criteria provided, single submitter. Criteria: ACMG Guidelines, 2015. Collection method: clinical testing. Allele origin: germline.
Comment: Absent from controls (or at extremely low frequency if recessive) in Genome Aggregation Database.;Multiple lines of computational evidence support a deleterious effect on the gene or gene product.

Literature cited by the submitters: PubMed 41165794 (cited by Labcorp Genetics (formerly Invitae), Labcorp).

NM_002471.4(MYH6):c.475G>A (p.Asp159Asn)

Genes: MYH6 (myosin heavy chain 6; minus strand), LOC114827851 (VISTA enhancer hs2155; plus strand). Cytogenetic location: 14q11.2.
Variant type: single nucleotide variant.
Coding change: c.475G>A on transcript NM_002471.4 (MANE Select); coding-DNA position 475, G replaced by A.
Protein change: p.Asp159Asn; replaces aspartic acid 159 with asparagine.
Molecular consequence: missense variant.
Genome position (GRCh38, 1-based): chr14:23,405,250, C>T on the plus strand (G>A on the coding strand, the complement: MYH6 is on the minus strand). VCF-style: chr14-23405250-C-T. GRCh37 (hg19) VCF-style: chr14-23874459-C-T.
Other names: short protein forms D159N.
Identifiers: ClinVar variation 2636664 (VCV002636664.8), dbSNP rs369931610, ClinGen allele CA7116160.